The following is an entry in ClinVar:

NM_006084.5(IRF9):c.1130A>G (p.Tyr377Cys)

Gene: IRF9 (interferon regulatory factor 9; plus strand). Cytogenetic location: 14q12.
Variant type: single nucleotide variant.
Coding change: c.1130A>G on transcript NM_006084.5 (MANE Select); coding-DNA position 1130, A replaced by G.
Protein change: p.Tyr377Cys; replaces tyrosine 377 with cysteine.
Molecular consequence: missense variant.
Genome position (GRCh38, 1-based): chr14:24,166,144, A>G. VCF-style: chr14-24166144-A-G. GRCh37 (hg19) VCF-style: chr14-24635353-A-G.
Other names: c.1284A>G, p.Ile428Met (NM_001385400.1); c.1157A>G, p.Tyr386Cys (NM_001385401.1); c.867A>G, p.Ile289Met (NM_001385402.1); short protein forms I289M, Y386C, I428M, Y377C.
Identifiers: ClinVar variation 4714814 (VCV004714814.1).

ClinVar aggregate classification (germline): Uncertain significance (1 of 4 stars; one submission).

Submission:

Labcorp Genetics (formerly Invitae), Labcorp
Classification: Uncertain significance. Last evaluated: 2025-03-10. Review status: criteria provided, single submitter. Criteria: Invitae Variant Classification Sherloc (09022015). Collection method: clinical testing. Allele origin: germline.
Comment: This sequence change replaces tyrosine, which is neutral and polar, with cysteine, which is neutral and slightly polar, at codon 377 of the IRF9 protein (p.Tyr377Cys). This variant is not present in population databases (gnomAD no frequency). This variant has not been reported in the literature in individuals affected with IRF9-related conditions. An algorithm developed to predict the effect of missense changes on protein structure and function (PolyPhen-2) suggests that this variant is likely to be tolerated. In summary, the available evidence is currently insufficient to determine the role of this variant in disease. Therefore, it has been classified as a Variant of Uncertain Significance.